The following is an entry in ClinVar:

ClinVar aggregate classification (germline): Uncertain significance (1 of 4 stars; one submission).

Conditions:
Inborn genetic diseases. Identifiers: MedGen C0950123, MeSH D030342.

Submission:

Ambry Genetics
Classification: Uncertain significance for Inborn genetic diseases. Last evaluated: 2025-11-15. Review status: criteria provided, single submitter. Criteria: Ambry Variant Classification Scheme 2023. Collection method: clinical testing. Allele origin: germline.
Comment: The p.M964T variant (also known as c.2891T>C), located in coding exon 1 of the SAMD9L gene, results from a T to C substitution at nucleotide position 2891. The methionine at codon 964 is replaced by threonine, an amino acid with similar properties. This amino acid position is conserved. In addition, the in silico prediction for this alteration is inconclusive. Based on the available evidence, the clinical significance of this variant remains unclear.

NM_152703.5(SAMD9L):c.2891T>C (p.Met964Thr)

Gene: SAMD9L (sterile alpha motif domain containing 9 like; minus strand). Cytogenetic location: 7q21.2.
Variant type: single nucleotide variant.
Coding change: c.2891T>C on transcript NM_152703.5 (MANE Select); coding-DNA position 2891, T replaced by C.
Protein change: p.Met964Thr; replaces methionine 964 with threonine.
Molecular consequence: missense variant.
Genome position (GRCh38, 1-based): chr7:93,133,081, A>G on the plus strand (T>C on the coding strand, the complement: SAMD9L is on the minus strand). VCF-style: chr7-93133081-A-G. GRCh37 (hg19) VCF-style: chr7-92762394-A-G.
Other names: c.2891T>C, p.Met964Thr (NM_001303496.3, NM_001303497.3, NM_001303498.3 and 5 more transcripts); short protein forms M964T.
Identifiers: ClinVar variation 4630124 (VCV004630124.1).